The following is an entry in ClinVar:

NM_001177316.2(SLC34A3):c.889G>A (p.Glu297Lys)

Gene: SLC34A3 (solute carrier family 34 member 3; plus strand). Cytogenetic location: 9q34.3.
Variant type: single nucleotide variant.
Coding change: c.889G>A on transcript NM_001177316.2 (MANE Select); coding-DNA position 889, G replaced by A.
Protein change: p.Glu297Lys; replaces glutamic acid 297 with lysine.
Molecular consequence: missense variant.
Genome position (GRCh38, 1-based): chr9:137,233,905, G>A. VCF-style: chr9-137233905-G-A. GRCh37 (hg19) VCF-style: chr9-140128357-G-A.
Other names: c.889G>A, p.Glu297Lys (NM_001177317.2, NM_080877.3); c.889G>A (NM_080877.2); short protein forms E297K.
Identifiers: ClinVar variation 3596898 (VCV003596898.3).

ClinVar aggregate classification (germline): Uncertain significance. Review status: criteria provided, multiple submitters, no conflicts (2 of 4 stars). 2 submissions from 2 submitters: Uncertain significance (2). Last evaluated 2024-01-29.

Conditions:
Autosomal recessive hypophosphatemic bone disease (HHRH). Also called: HYPERCALCIURIC RICKETS; Hypophosphatemic rickets with hypercalciuria. Identifiers: Orphanet 157215, MedGen C1853271, MONDO:0009431, OMIM 241530.

gnomAD v4.1: 47 of 1,606,538 alleles (0.0029%); highest among the groups gnomAD compares: African/African-American, 0.004%; no homozygotes.

Submissions (2):

Labcorp Genetics (formerly Invitae), Labcorp
Classification: Uncertain significance. Last evaluated: 2024-01-29. Review status: criteria provided, single submitter. Criteria: Invitae Variant Classification Sherloc (09022015). Collection method: clinical testing. Allele origin: germline.
Comment: This sequence change replaces glutamic acid, which is acidic and polar, with lysine, which is basic and polar, at codon 297 of the SLC34A3 protein (p.Glu297Lys). This variant is present in population databases (rs767286918, gnomAD 0.007%). This variant has not been reported in the literature in individuals affected with SLC34A3-related conditions. Advanced modeling of protein sequence and biophysical properties (such as structural, functional, and spatial information, amino acid conservation, physicochemical variation, residue mobility, and thermodynamic stability) performed at Invitae indicates that this missense variant is not expected to disrupt SLC34A3 protein function with a negative predictive value of 80%. In summary, the available evidence is currently insufficient to determine the role of this variant in disease. Therefore, it has been classified as a Variant of Uncertain Significance.

Fulgent Genetics
Classification: Uncertain significance for Autosomal recessive hypophosphatemic bone disease. Last evaluated: 2024-01-10. Review status: criteria provided, single submitter. Criteria: ACMG Guidelines, 2015. Collection method: clinical testing. Allele origin: germline.